The following is an entry in ClinVar:

NM_006206.6(PDGFRA):c.3076G>A (p.Asp1026Asn)

Gene: PDGFRA (platelet derived growth factor receptor alpha; plus strand). Cytogenetic location: 4q12.
Variant type: single nucleotide variant.
Coding change: c.3076G>A on transcript NM_006206.6 (MANE Select); coding-DNA position 3076, G replaced by A.
Protein change: p.Asp1026Asn; replaces aspartic acid 1026 with asparagine.
Molecular consequence: missense variant.
Genome position (GRCh38, 1-based): chr4:54,290,508, G>A. VCF-style: chr4-54290508-G-A. GRCh37 (hg19) VCF-style: chr4-55156675-G-A.
Other names: c.3151G>A, p.Asp1051Asn (NM_001347828.2); c.3076G>A, p.Asp1026Asn (NM_001347829.2); c.3115G>A, p.Asp1039Asn (NM_001347830.2); short protein forms D1026N, D1039N, D1051N.
Identifiers: ClinVar variation 459086 (VCV000459086.12), dbSNP rs1553906671, ClinGen allele CA356896325.

ClinVar aggregate classification (germline): Uncertain significance. Review status: criteria provided, multiple submitters, no conflicts (2 of 4 stars). 2 submissions from 2 submitters: Uncertain significance (2). Last evaluated 2026-07-06.

Conditions:
Gastrointestinal stromal tumor. Also called: Gastrointestinal stromal tumor, somatic; Gastrointestinal stroma tumor. Identifiers: Orphanet 44890, MedGen C0238198, MeSH D046152, MONDO:0011719, OMIM 606764, HP:0100723.
Hereditary cancer-predisposing syndrome. Also called: Neoplastic Syndromes, Hereditary; Hereditary neoplastic syndrome; Hereditary Cancer Syndrome; Tumor predisposition. Identifiers: Orphanet 140162, MedGen C0027672, MeSH D009386, MONDO:0015356.

Submissions (2):

Ambry Genetics
Classification: Uncertain significance for Hereditary cancer-predisposing syndrome. Last evaluated: 2026-07-06. Review status: criteria provided, single submitter. Criteria: Ambry Variant Classification Scheme 2023. Collection method: clinical testing. Allele origin: germline.
Comment: The p.D1026N variant (also known as c.3076G>A), located in coding exon 21 of the PDGFRA gene, results from a G to A substitution at nucleotide position 3076. The aspartic acid at codon 1026 is replaced by asparagine, an amino acid with highly similar properties. This amino acid position is conserved. In addition, this alteration is predicted to be tolerated by in silico analysis. Based on the available evidence, the clinical significance of this variant remains unclear.

Labcorp Genetics (formerly Invitae), Labcorp
Classification: Uncertain significance for Gastrointestinal stromal tumor. Last evaluated: 2026-01-19. Review status: criteria provided, single submitter. Criteria: Invitae Variant Classification Sherloc (09022015). Collection method: clinical testing. Allele origin: germline.
Comment: This sequence change replaces aspartic acid, which is acidic and polar, with asparagine, which is neutral and polar, at codon 1026 of the PDGFRA protein (p.Asp1026Asn). This variant is not present in population databases (gnomAD no frequency). This variant has not been reported in the literature in individuals affected with PDGFRA-related conditions. ClinVar contains an entry for this variant (Variation ID: 459086). Invitae Evidence Modeling of protein sequence and biophysical properties (such as structural, functional, and spatial information, amino acid conservation, physicochemical variation, residue mobility, and thermodynamic stability) indicates that this missense variant is not expected to disrupt PDGFRA protein function with a negative predictive value of 80%. In summary, the available evidence is currently insufficient to determine the role of this variant in disease. Therefore, it has been classified as a Variant of Uncertain Significance.